The following is an entry in ClinVar:

NM_018116.4(MSTO1):c.752A>T (p.Asp251Val)

Gene: MSTO1 (misato mitochondrial distribution and morphology regulator 1; plus strand). Cytogenetic location: 1q22.
Variant type: single nucleotide variant.
Coding change: c.752A>T on transcript NM_018116.4 (MANE Select); coding-DNA position 752, A replaced by T.
Protein change: p.Asp251Val; replaces aspartic acid 251 with valine.
Molecular consequence: missense variant. On other transcripts: non-coding transcript variant (6).
Genome position (GRCh38, 1-based): chr1:155,612,255, A>T. VCF-style: chr1-155612255-A-T. GRCh37 (hg19) VCF-style: chr1-155582046-A-T.
Other names: c.752A>T, p.Asp251Val (NM_001256532.1, NM_001256533.1, NM_001350772.1 and 3 more transcripts); c.587A>T, p.Asp196Val (NM_001350776.1); c.221A>T, p.Asp74Val (NM_001350777.1, NM_001350778.1, NM_001350779.1); c.218A>T, p.Asp73Val (NM_001350780.1, NM_001350781.1, NM_001350782.1 and 3 more transcripts); c.209A>T, p.Asp70Val (NM_001350784.1, NM_001350785.1, NM_001350787.1 and 1 more transcripts); short protein forms D74V, D196V, D251V, D70V, D73V.
Identifiers: ClinVar variation 5004948 (VCV005004948.2).

ClinVar aggregate classification (germline): Uncertain significance (1 of 4 stars; one submission).

Conditions:
Mitochondrial myopathy-cerebellar ataxia-pigmentary retinopathy syndrome. Also called: MYOPATHY, MITOCHONDRIAL, AND ATAXIA. Identifiers: Orphanet 502423, MedGen C4540096, MONDO:0044714, OMIM 617675.

Submission:

Juno Genomics, Hangzhou Juno Genomics, Inc
Classification: Uncertain significance for Mitochondrial myopathy-cerebellar ataxia-pigmentary retinopathy syndrome. Review status: criteria provided, single submitter. Criteria: ACMG Guidelines, 2015. Collection method: clinical testing. Allele origin: germline.
Comment: Absent from controls (or at extremely low frequency if recessive) in Genome Aggregation Database.;Multiple lines of computational evidence support a deleterious effect on the gene or gene product.